The following is an entry in ClinVar:

ClinVar aggregate classification (germline): Uncertain significance (1 of 4 stars; one submission).

Allele frequency attached by ClinVar (database versions not stated): gnomAD 0.00001.
gnomAD v4.1: 13 of 1,613,904 alleles (0.00081%); highest among the groups gnomAD compares: Non-Finnish European, 0.001%; no homozygotes.

Submission:

Labcorp Genetics (formerly Invitae), Labcorp
Classification: Uncertain significance. Last evaluated: 2022-02-28. Review status: criteria provided, single submitter. Criteria: Invitae Variant Classification Sherloc (09022015). Collection method: clinical testing. Allele origin: germline.
Comment: This sequence change replaces proline, which is neutral and non-polar, with threonine, which is neutral and polar, at codon 1704 of the COL7A1 protein (p.Pro1704Thr). This variant is not present in population databases (gnomAD no frequency). This variant has not been reported in the literature in individuals affected with COL7A1-related conditions. Advanced modeling of protein sequence and biophysical properties (such as structural, functional, and spatial information, amino acid conservation, physicochemical variation, residue mobility, and thermodynamic stability) performed at Invitae indicates that this missense variant is not expected to disrupt COL7A1 protein function. In summary, the available evidence is currently insufficient to determine the role of this variant in disease. Therefore, it has been classified as a Variant of Uncertain Significance.

NM_000094.4(COL7A1):c.5110C>A (p.Pro1704Thr)

Gene: COL7A1 (collagen type VII alpha 1 chain; minus strand). Cytogenetic location: 3p21.31.
Variant type: single nucleotide variant.
Coding change: c.5110C>A on transcript NM_000094.4 (MANE Select); coding-DNA position 5110, C replaced by A.
Protein change: p.Pro1704Thr; replaces proline 1704 with threonine.
Molecular consequence: missense variant.
Genome position (GRCh38, 1-based): chr3:48,580,045, G>T on the plus strand (C>A on the coding strand, the complement: COL7A1 is on the minus strand). VCF-style: chr3-48580045-G-T. GRCh37 (hg19) VCF-style: chr3-48617478-G-T.
Other names: short protein forms P1704T.
Identifiers: ClinVar variation 1904572 (VCV001904572.5), dbSNP rs1208830692, ClinGen allele CA352678426.